The following is an entry in ClinVar:

NM_002890.3(RASA1):c.2141T>C (p.Met714Thr)

Genes: CCNH (cyclin H; minus strand), RASA1 (RAS p21 protein activator 1; plus strand). Cytogenetic location: 5q14.3.
Variant type: single nucleotide variant.
Coding change: c.2141T>C on transcript NM_002890.3 (MANE Select); coding-DNA position 2141, T replaced by C.
Protein change: p.Met714Thr; replaces methionine 714 with threonine.
Molecular consequence: missense variant. On other transcripts: intron variant (1).
Genome position (GRCh38, 1-based): chr5:87,376,522, T>C. VCF-style: chr5-87376522-T-C. GRCh37 (hg19) VCF-style: chr5-86672339-T-C.
Other names: c.1610T>C, p.Met537Thr (NM_022650.3); c.933+18522A>G (NM_001364075.2); short protein forms M537T, M714T.
Identifiers: ClinVar variation 3942974 (VCV003942974.1).
Genomic context (GRCh38, chr5:87,376,522, plus strand): 5'-CCCATATACCATTAAAAGGTATTGAACCAGGGTCCCTGCGTGTTCGAGCACGATACTCTA[T>C]GGAAAAAATCATGCCAGAAGAAGAGTACAGTGAATTTAAAGAGGTATTAAATTATTTATC-3'
Protein context (NP_002881.1, residues 704-724): GSLRVRARYS[Met714Thr]EKIMPEEEYS

ClinVar aggregate classification (germline): Uncertain significance (1 of 4 stars; one submission).

Conditions:
Cardiovascular phenotype. Identifiers: MedGen CN230736.

Submission:

Ambry Genetics
Classification: Uncertain significance for Cardiovascular phenotype. Last evaluated: 2025-03-31. Review status: criteria provided, single submitter. Criteria: Ambry Variant Classification Scheme 2023. Collection method: clinical testing. Allele origin: germline.
Comment: The p.M714T variant (also known as c.2141T>C), located in coding exon 16 of the RASA1 gene, results from a T to C substitution at nucleotide position 2141. The methionine at codon 714 is replaced by threonine, an amino acid with similar properties. This amino acid position is conserved. In addition, the in silico prediction for this alteration is inconclusive. Based on the available evidence, the clinical significance of this variant remains unclear.